The following is an entry in ClinVar:

ClinVar aggregate classification (germline): Uncertain significance (1 of 4 stars; one submission).

Conditions:
Neuroblastoma, susceptibility to, 3. Also called: ALK-Related Neuroblastic Tumor Susceptibility. Identifiers: Orphanet 635, MedGen C2751681, MONDO:0013083, OMIM 613014.

Submission:

Labcorp Genetics (formerly Invitae), Labcorp
Classification: Uncertain significance for Neuroblastoma, susceptibility to, 3. Last evaluated: 2023-03-20. Review status: criteria provided, single submitter. Criteria: Invitae Variant Classification Sherloc (09022015). Collection method: clinical testing. Allele origin: germline.
Comment: In summary, the available evidence is currently insufficient to determine the role of this variant in disease. Therefore, it has been classified as a Variant of Uncertain Significance. Algorithms developed to predict the effect of sequence changes on RNA splicing suggest that this variant may disrupt the consensus splice site. This variant has not been reported in the literature in individuals affected with ALK-related conditions. This variant is not present in population databases (gnomAD no frequency). This sequence change affects a splice site in intron 24 of the ALK gene. It is expected to disrupt RNA splicing. Variants that disrupt the donor or acceptor splice site typically lead to a loss of protein function (PMID: 16199547), however the current clinical and genetic evidence is not sufficient to establish whether loss-of-function variants in ALK cause disease.

Literature cited by the submitters: PubMed 16199547.

NM_004304.5(ALK):c.3744-2del

Gene: ALK (ALK receptor tyrosine kinase; minus strand). Cytogenetic location: 2p23.2.
Variant type: Deletion.
Coding change: c.3744-2del on transcript NM_004304.5 (MANE Select); the canonical splice acceptor site of the intron before coding-DNA position 3744, one base deleted (A; older notation c.3744-2delA).
Molecular consequence: splice acceptor variant.
Genome position (GRCh38, 1-based): chr2:29,209,880, T deleted on the plus strand (A on the coding strand, the reverse complement: ALK is on the minus strand). VCF-style (leftmost placement, unchanged base first): chr2-29209879-CT-C. GRCh37 (hg19) VCF-style: chr2-29432745-CT-C.
Other names: c.540-2del (NM_001353765.2).
Identifiers: ClinVar variation 2905028 (VCV002905028.3), dbSNP rs2465911248, ClinGen allele CA2739274294.